The following is an entry in ClinVar:

ClinVar aggregate classification (germline): Uncertain significance. Review status: criteria provided, multiple submitters, no conflicts (2 of 4 stars). 2 submissions from 2 submitters: Uncertain significance (2). Last evaluated 2024-04-22.

Conditions:
Hereditary cancer-predisposing syndrome. Also called: Hereditary neoplastic syndrome; Hereditary Cancer Syndrome; Tumor predisposition; Neoplastic Syndromes, Hereditary. Identifiers: Orphanet 140162, MedGen C0027672, MeSH D009386, MONDO:0015356.
Hereditary diffuse gastric adenocarcinoma (HDGC). Also called: DIFFUSE GASTRIC AND LOBULAR BREAST CANCER SYNDROME. Identifiers: Orphanet 26106, MedGen C1708349, MONDO:0007648, OMIM 137215.

Submissions (2):

Labcorp Genetics (formerly Invitae), Labcorp
Classification: Uncertain significance for Hereditary diffuse gastric adenocarcinoma. Last evaluated: 2024-04-22. Review status: criteria provided, single submitter. Criteria: Invitae Variant Classification Sherloc (09022015). Collection method: clinical testing. Allele origin: germline.
Comment: This sequence change replaces glycine, which is neutral and non-polar, with serine, which is neutral and polar, at codon 441 of the CDH1 protein (p.Gly441Ser). This variant is not present in population databases (gnomAD no frequency). This variant has not been reported in the literature in individuals affected with CDH1-related conditions. ClinVar contains an entry for this variant (Variation ID: 970246). An algorithm developed to predict the effect of missense changes on protein structure and function (PolyPhen-2) suggests that this variant is likely to be disruptive. In summary, the available evidence is currently insufficient to determine the role of this variant in disease. Therefore, it has been classified as a Variant of Uncertain Significance.

Ambry Genetics
Classification: Uncertain significance for Hereditary cancer-predisposing syndrome. Last evaluated: 2024-04-11. Review status: criteria provided, single submitter. Criteria: Ambry Variant Classification Scheme 2023. Collection method: clinical testing. Allele origin: germline.
Comment: The p.G441S variant (also known as c.1321G>A) is located in coding exon 10 of the CDH1 gene. The glycine at codon 441 is replaced by serine, an amino acid with similar properties. This change occurs in the first base pair of coding exon 10. This amino acid position is well conserved in available vertebrate species. In addition, the in silico prediction for this alteration is inconclusive. Based on the available evidence, the clinical significance of this variant remains unclear.

NM_004360.5(CDH1):c.1321G>A (p.Gly441Ser)

Gene: CDH1 (cadherin 1; plus strand). Cytogenetic location: 16q22.1.
Variant type: single nucleotide variant.
Coding change: c.1321G>A on transcript NM_004360.5 (MANE Select); coding-DNA position 1321, G replaced by A.
Protein change: p.Gly441Ser; replaces glycine 441 with serine.
Molecular consequence: missense variant. On other transcripts: 5 prime UTR variant (2).
Genome position (GRCh38, 1-based): chr16:68,815,515, G>A. VCF-style: chr16-68815515-G-A. GRCh37 (hg19) VCF-style: chr16-68849418-G-A.
Other names: c.1138G>A, p.Gly380Ser (NM_001317184.2); c.-228G>A (NM_001317185.2); c.-499G>A (NM_001317186.2); short protein forms G380S, G441S.
Identifiers: ClinVar variation 970246 (VCV000970246.13), dbSNP rs1960957210, ClinGen allele CA396462645.